The following is an entry in ClinVar:

ClinVar aggregate classification (germline): Uncertain significance. Review status: criteria provided, multiple submitters, no conflicts (2 of 4 stars). 2 submissions from 2 submitters: Uncertain significance (2). Last evaluated 2025-03-03.

Conditions:
Retinal dystrophy. Also called: Inherited retinal dystrophy. Identifiers: Orphanet 71862, MedGen C0854723, MeSH D058499, MONDO:0019118, HP:0000556.

Allele frequency attached by ClinVar (database versions not stated): gnomAD exomes 0.00001; TOPMed 0.00001; ExAC 0.00002.

Submissions (2):

Labcorp Genetics (formerly Invitae), Labcorp
Classification: Uncertain significance. Last evaluated: 2025-03-03. Review status: criteria provided, single submitter. Criteria: Invitae Variant Classification Sherloc (09022015). Collection method: clinical testing. Allele origin: germline.
Comment: This sequence change replaces arginine, which is basic and polar, with glutamine, which is neutral and polar, at codon 341 of the ZNF513 protein (p.Arg341Gln). This variant is present in population databases (rs757327648, gnomAD 0.003%). This variant has not been reported in the literature in individuals affected with ZNF513-related conditions. ClinVar contains an entry for this variant (Variation ID: 1945426). An algorithm developed to predict the effect of missense changes on protein structure and function outputs the following: PolyPhen-2: "Benign". The glutamine amino acid residue is found in multiple mammalian species, which suggests that this missense change does not adversely affect protein function. In summary, the available evidence is currently insufficient to determine the role of this variant in disease. Therefore, it has been classified as a Variant of Uncertain Significance.

Dept Of Ophthalmology, Nagoya University
Classification: Uncertain significance for Retinal dystrophy. Last evaluated: 2023-10-01. Review status: criteria provided, single submitter. Criteria: Submitter's publication. Collection method: research. Allele origin: germline. Affected: yes.

NM_144631.6(ZNF513):c.1022G>A (p.Arg341Gln)

Gene: ZNF513 (zinc finger protein 513; minus strand). Cytogenetic location: 2p23.3.
Variant type: single nucleotide variant.
Coding change: c.1022G>A on transcript NM_144631.6 (MANE Select); coding-DNA position 1022, G replaced by A.
Protein change: p.Arg341Gln; replaces arginine 341 with glutamine.
Molecular consequence: missense variant.
Genome position (GRCh38, 1-based): chr2:27,378,149, C>T on the plus strand (G>A on the coding strand, the complement: ZNF513 is on the minus strand). VCF-style: chr2-27378149-C-T. GRCh37 (hg19) VCF-style: chr2-27601016-C-T.
Other names: c.836G>A, p.Arg279Gln (NM_001201459.2); short protein forms R279Q, R341Q.
Identifiers: ClinVar variation 1945426 (VCV001945426.6), dbSNP rs757327648, ClinGen allele CA1577872.